The following is an entry in ClinVar:

ClinVar aggregate classification (germline): Benign/Likely benign. Review status: criteria provided, multiple submitters, no conflicts (2 of 4 stars). 5 submissions from 5 submitters: Benign (1); Likely benign (3). 1 of the submissions does not count toward it. Last evaluated 2026-06-01.

Conditions:
ANXA11-related disorder. Also called: ANXA11-related condition.

Allele frequency attached by ClinVar (database versions not stated): TOPMed 0.00213; gnomAD 0.00242 and 0.00244; ExAC 0.00258; ESP Exome Variant Server 0.00261; gnomAD exomes 0.00347 and 0.00196; 1000 Genomes Project 0.00180; 1000 Genomes Project 30x 0.00187.
gnomAD v4.1: 5,367 of 1,607,262 alleles (0.33%); highest among the groups gnomAD compares: Non-Finnish European, 0.42%; 18 homozygotes.

Submissions (5):

CeGaT Center for Human Genetics Tuebingen
Classification: Likely benign. Last evaluated: 2026-06-01. Review status: criteria provided, single submitter. Criteria: CeGaT Center For Human Genetics Tuebingen Variant Classification Criteria Version 2. Collection method: clinical testing. Allele origin: germline. Affected: yes. Observed: 3 variant alleles.
Comment: ANXA11: BS2

Labcorp Genetics (formerly Invitae), Labcorp
Classification: Likely benign. Last evaluated: 2026-02-04. Review status: criteria provided, single submitter. Criteria: Invitae Variant Classification Sherloc (09022015). Collection method: clinical testing. Allele origin: germline.

Blueprint Genetics
Classification: Likely benign. Last evaluated: 2024-11-04. Review status: criteria provided, single submitter. Criteria: ACMG Guidelines, 2015. Collection method: clinical testing. Allele origin: germline.

Mayo Clinic Laboratories, Mayo Clinic
Classification: Benign. Last evaluated: 2023-06-22. Review status: criteria provided, single submitter. Criteria: ACMG Guidelines, 2015. Collection method: clinical testing. Allele origin: germline. Observed: 4 variant alleles.
Comment: BS1, BS2

PreventionGenetics, part of Exact Sciences
Classification: Likely benign for ANXA11-related condition. Last evaluated: 2019-03-20. Review status: no assertion criteria provided. Collection method: clinical testing. Allele origin: germline. Not counted in ClinVar's aggregate classification.
Comment: This variant is classified as likely benign based on ACMG/AMP sequence variant interpretation guidelines (Richards et al. 2015 PMID: 25741868, with internal and published modifications).

NM_145868.2(ANXA11):c.731C>T (p.Thr244Met)

Gene: ANXA11 (annexin A11; minus strand). Cytogenetic location: 10q22.3.
Variant type: single nucleotide variant.
Coding change: c.731C>T on transcript NM_145868.2 (MANE Select); coding-DNA position 731, C replaced by T.
Protein change: p.Thr244Met; replaces threonine 244 with methionine.
Molecular consequence: missense variant.
Genome position (GRCh38, 1-based): chr10:80,166,903, G>A on the plus strand (C>T on the coding strand, the complement: ANXA11 is on the minus strand). VCF-style: chr10-80166903-G-A. GRCh37 (hg19) VCF-style: chr10-81926659-G-A.
Other names: p.Thr244Met; c.731C>T, p.Thr244Met (NM_001157.3, NM_001278407.2, NM_001278408.2 and 1 more transcripts); c.731C>T (NM_145869.1); c.632C>T, p.Thr211Met (NM_001278409.2); short protein forms T211M, T244M.
Identifiers: ClinVar variation 718347 (VCV000718347.36), dbSNP rs41310298, ClinGen allele CA5576168.